The following is an entry in ClinVar:

ClinVar aggregate classification (germline): Likely pathogenic (1 of 4 stars; one submission).

Conditions:
Baraitser-Winter syndrome 1 (BRWS1). Also called: BARAITSER-WINTER SYNDROME 1, ATYPICAL; PACHYGYRIA, MENTAL RETARDATION, EPILEPSY, AND CHARACTERISTIC FACIES; MENTAL RETARDATION WITH EPILEPSY AND CHARACTERISTIC FACIES; Cerebrofrontofacial syndrome. Identifiers: Orphanet 2649, Orphanet 2995, MedGen C1855722, MONDO:0009470, OMIM 243310.

Submission:

Labcorp Genetics (formerly Invitae), Labcorp
Classification: Likely pathogenic for Baraitser-Winter syndrome 1. Last evaluated: 2017-03-27. Review status: criteria provided, single submitter. Criteria: Invitae Variant Classification Sherloc (09022015). Collection method: clinical testing. Allele origin: germline.
Comment: This sequence change replaces proline with leucine at codon 38 of the ACTB protein (p.Pro38Leu). The proline residue is highly conserved and there is a moderate physicochemical difference between proline and leucine. This variant is not present in population databases (ExAC no frequency) and has not been reported in the literature in individuals with a ACTB-related disease. Algorithms developed to predict the effect of missense changes on protein structure and function (SIFT, PolyPhen-2, Align-GVGD) all suggest that this variant is likely to be disruptive, but these predictions have not been confirmed by published functional studies. In summary, this variant is a rare missense change that is absent from the population and has been observed de novo in an affected individual. This evidence indicates that the variant is pathogenic, but additional data is needed to prove that conclusively. Therefore, this variant has been classified as Likely Pathogenic.

NM_001101.5(ACTB):c.113C>T (p.Pro38Leu)

Gene: ACTB (actin beta; minus strand). Cytogenetic location: 7p22.1.
Variant type: single nucleotide variant.
Coding change: c.113C>T on transcript NM_001101.5 (MANE Select); coding-DNA position 113, C replaced by T.
Protein change: p.Pro38Leu; replaces proline 38 with leucine.
Molecular consequence: missense variant.
Genome position (GRCh38, 1-based): chr7:5,529,545, G>A on the plus strand (C>T on the coding strand, the complement: ACTB is on the minus strand). VCF-style: chr7-5529545-G-A. GRCh37 (hg19) VCF-style: chr7-5569176-G-A.
Other names: c.113C>T (LRG_132t1); short protein forms P38L.
Identifiers: ClinVar variation 466230 (VCV000466230.8), dbSNP rs1554329646, ClinGen allele CA366706592.